The following is an entry in ClinVar:

ClinVar aggregate classification (germline): Uncertain significance (1 of 4 stars; one submission).

Submission:

Labcorp Genetics (formerly Invitae), Labcorp
Classification: Uncertain significance. Last evaluated: 2022-06-27. Review status: criteria provided, single submitter. Criteria: Invitae Variant Classification Sherloc (09022015). Collection method: clinical testing. Allele origin: germline.
Comment: In summary, the available evidence is currently insufficient to determine the role of this variant in disease. Therefore, it has been classified as a Variant of Uncertain Significance. Algorithms developed to predict the effect of missense changes on protein structure and function are either unavailable or do not agree on the potential impact of this missense change (SIFT: "Deleterious"; PolyPhen-2: "Benign"; Align-GVGD: "Class C0"). This variant has not been reported in the literature in individuals affected with AHDC1-related conditions. This variant is not present in population databases (gnomAD no frequency). This sequence change replaces valine, which is neutral and non-polar, with leucine, which is neutral and non-polar, at codon 10 of the AHDC1 protein (p.Val10Leu).

NM_001371928.1(AHDC1):c.28G>T (p.Val10Leu)

Gene: AHDC1 (AT-hook DNA binding motif containing 1; minus strand). Cytogenetic location: 1p36.11.
Variant type: single nucleotide variant.
Coding change: c.28G>T on transcript NM_001371928.1 (MANE Select); coding-DNA position 28, G replaced by T.
Protein change: p.Val10Leu; replaces valine 10 with leucine.
Molecular consequence: missense variant.
Genome position (GRCh38, 1-based): chr1:27,552,088, C>A on the plus strand (G>T on the coding strand, the complement: AHDC1 is on the minus strand). VCF-style: chr1-27552088-C-A. GRCh37 (hg19) VCF-style: chr1-27878599-C-A.
Other names: c.28G>T, p.Val10Leu (NM_001029882.3); short protein forms V10L.
Identifiers: ClinVar variation 2049449 (VCV002049449.4), dbSNP rs2522125449, ClinGen allele CA339238714.